The following is an entry in ClinVar:

ClinVar aggregate classification (germline): Conflicting classifications of pathogenicity. Review status: criteria provided, conflicting classifications (1 of 4 stars). 2 submissions from 2 submitters: Uncertain significance (1); Likely benign (1). Last evaluated 2026-04-16.

Conditions:
Inborn genetic diseases. Identifiers: MedGen C0950123, MeSH D030342.

Allele frequency attached by ClinVar (database versions not stated): gnomAD 0.00001; TOPMed 0.00001; gnomAD exomes 0.00005.
gnomAD v4.1: 60 of 1,236,304 alleles (0.0049%); highest among the groups gnomAD compares: Non-Finnish European, 0.0058%; no homozygotes.

Submissions (2):

Ambry Genetics
Classification: Likely benign for Inborn genetic diseases. Last evaluated: 2026-04-16. Review status: criteria provided, single submitter. Criteria: Ambry Variant Classification Scheme 2023. Collection method: clinical testing. Allele origin: germline.

Labcorp Genetics (formerly Invitae), Labcorp
Classification: Uncertain significance. Last evaluated: 2024-10-17. Review status: criteria provided, single submitter. Criteria: Invitae Variant Classification Sherloc (09022015). Collection method: clinical testing. Allele origin: germline.
Comment: This sequence change replaces proline, which is neutral and non-polar, with leucine, which is neutral and non-polar, at codon 195 of the ARID1B protein (p.Pro195Leu). The frequency data for this variant in the population databases is considered unreliable, as metrics indicate insufficient coverage at this position in the gnomAD database. This variant has not been reported in the literature in individuals affected with ARID1B-related conditions. ClinVar contains an entry for this variant (Variation ID: 2195169). Invitae Evidence Modeling of protein sequence and biophysical properties (such as structural, functional, and spatial information, amino acid conservation, physicochemical variation, residue mobility, and thermodynamic stability) indicates that this missense variant is not expected to disrupt ARID1B protein function with a negative predictive value of 95%. In summary, the available evidence is currently insufficient to determine the role of this variant in disease. Therefore, it has been classified as a Variant of Uncertain Significance.

NM_001374828.1(ARID1B):c.833C>T (p.Pro278Leu)

Genes: ARID1B (AT-rich interaction domain 1B; plus strand), LOC115308161 (uncharacterized LOC115308161; minus strand), LOC129997525 (ATAC-STARR-seq lymphoblastoid silent region 17712; plus strand). Cytogenetic location: 6q25.3.
Variant type: single nucleotide variant.
Coding change: c.833C>T on transcript NM_001374828.1 (MANE Select); coding-DNA position 833, C replaced by T.
Protein change: p.Pro278Leu; replaces proline 278 with leucine.
Molecular consequence: missense variant. On other transcripts: non-coding transcript variant (1).
Genome position (GRCh38, 1-based): chr6:156,778,513, C>T. VCF-style: chr6-156778513-C-T. GRCh37 (hg19) VCF-style: chr6-157099647-C-T.
Other names: c.584C>T, p.Pro195Leu (NM_001346813.1, NM_020732.3); c.833C>T, p.Pro278Leu (NM_001371656.1, NM_001374820.1, NM_017519.3); c.410C>T, p.Pro137Leu (NM_175863.2); short protein forms P278L, P137L, P195L.
Identifiers: ClinVar variation 2195169 (VCV002195169.5), dbSNP rs1238523085, ClinGen allele CA366382210.